The following is an entry in ClinVar:

NM_001136018.4(EPHX1):c.1223C>T (p.Thr408Met)

Genes: EPHX1 (epoxide hydrolase 1; plus strand), TMEM63A (transmembrane protein 63A; minus strand). Cytogenetic location: 1q42.12.
Variant type: single nucleotide variant.
Coding change: c.1223C>T on transcript NM_001136018.4 (MANE Select); coding-DNA position 1223, C replaced by T.
Protein change: p.Thr408Met; replaces threonine 408 with methionine.
Molecular consequence: missense variant. On other transcripts: non-coding transcript variant (4).
Genome position (GRCh38, 1-based): chr1:225,845,202, C>T. VCF-style: chr1-225845202-C-T. GRCh37 (hg19) VCF-style: chr1-226032903-C-T.
Other names: c.1223C>T, p.Thr408Met (NM_000120.4, NM_001291163.2, NM_001378426.1 and 1 more transcripts); c.1196C>T, p.Thr399Met (NM_001378428.1); c.1175C>T, p.Thr392Met (NM_001378429.1, NM_001378430.1); c.995C>T, p.Thr332Met (NM_001378431.1); c.656C>T, p.Thr219Met (NM_001378432.1); short protein forms T408M, T219M, T332M, T392M, T399M.
Identifiers: ClinVar variation 746952 (VCV000746952.5), dbSNP rs45495897, ClinGen allele CA1418692.

ClinVar aggregate classification (germline): Benign. Review status: criteria provided, multiple submitters, no conflicts (2 of 4 stars). 2 submissions from 2 submitters: Benign (2). Last evaluated 2026-01-15.

Conditions:
EPHX1-related disorder. Also called: EPHX1-related condition.

Allele frequency attached by ClinVar (database versions not stated): gnomAD exomes 0.00102; ExAC 0.00119; 1000 Genomes Project 30x 0.00250; 1000 Genomes Project 0.00280; gnomAD 0.00360 and 0.00391; TOPMed 0.00409; ESP Exome Variant Server 0.00569.
gnomAD v4.1: 1,109 of 1,614,166 alleles (0.069%); highest among the groups gnomAD compares: African/African-American, 1.3%; 7 homozygotes.

Submissions (2):

PreventionGenetics, part of Exact Sciences
Classification: Benign for EPHX1-related condition. Last evaluated: 2026-01-15. Review status: criteria provided, single submitter. Criteria: ACMG Guidelines, 2015. Collection method: clinical testing. Allele origin: germline.
Comment: This variant is classified as benign based on ACMG/AMP sequence variant interpretation guidelines (Richards et al. 2015 PMID: 25741868, with internal and published modifications).

Labcorp Genetics (formerly Invitae), Labcorp
Classification: Benign. Last evaluated: 2019-12-31. Review status: criteria provided, single submitter. Criteria: Invitae Variant Classification Sherloc (09022015). Collection method: clinical testing. Allele origin: germline.